The following is an entry in ClinVar:

NM_006415.4(SPTLC1):c.239T>G (p.Leu80Arg)

Gene: SPTLC1 (serine palmitoyltransferase long chain base subunit 1; minus strand). Cytogenetic location: 9q22.31.
Variant type: single nucleotide variant.
Coding change: c.239T>G on transcript NM_006415.4 (MANE Select); coding-DNA position 239, T replaced by G.
Protein change: p.Leu80Arg; replaces leucine 80 with arginine.
Molecular consequence: missense variant. On other transcripts: 5 prime UTR variant (2).
Genome position (GRCh38, 1-based): chr9:92,108,761, A>C on the plus strand (T>G on the coding strand, the complement: SPTLC1 is on the minus strand). VCF-style: chr9-92108761-A-C. GRCh37 (hg19) VCF-style: chr9-94871043-A-C.
Other names: c.239T>G, p.Leu80Arg (NM_001281303.2, NM_178324.3); c.-261T>G (NM_001368272.1); c.-227T>G (NM_001368273.1); short protein forms L80R.
Identifiers: ClinVar variation 1524570 (VCV001524570.6), dbSNP rs2118826153, ClinGen allele CA373794424.
Genomic context (GRCh38, chr9:92,108,761, plus strand): 5'-AGCCAAATACAAGTACTTCAGGTAGCAAAATCAATTTACCCTGAAACGATGTTGTAGTTG[A>C]GAGCAGGATGGTCTTTTGGGACAGGAGGAACAAGAGGTTCTGGTTGCCACTCTTCAATCA-3'
Protein context (NP_006406.1, residues 70-90): VPPVPKDHPA[Leu80Arg]NYNIVSGPPS

ClinVar aggregate classification (germline): Uncertain significance (1 of 4 stars; one submission).

Conditions:
Hereditary sensory and autonomic neuropathy type 1 (HSAN1). Also called: HSAN 1; HSN Type I; Hereditary Sensory Neuropathy Type I. Identifiers: Orphanet 36386, MedGen C0020071, MONDO:0018213.

Submission:

Labcorp Genetics (formerly Invitae), Labcorp
Classification: Uncertain significance for Hereditary sensory and autonomic neuropathy type 1. Last evaluated: 2021-10-31. Review status: criteria provided, single submitter. Criteria: Invitae Variant Classification Sherloc (09022015). Collection method: clinical testing. Allele origin: germline.
Comment: In summary, the available evidence is currently insufficient to determine the role of this variant in disease. Therefore, it has been classified as a Variant of Uncertain Significance. Advanced modeling of protein sequence and biophysical properties (such as structural, functional, and spatial information, amino acid conservation, physicochemical variation, residue mobility, and thermodynamic stability) performed at Invitae indicates that this missense variant is expected to disrupt SPTLC1 protein function. This variant has not been reported in the literature in individuals affected with SPTLC1-related conditions. This variant is not present in population databases (gnomAD no frequency). This sequence change replaces leucine, which is neutral and non-polar, with arginine, which is basic and polar, at codon 80 of the SPTLC1 protein (p.Leu80Arg).